The following is an entry in ClinVar:

ClinVar aggregate classification (germline): Uncertain significance (0 of 4 stars; one submission).

Conditions:
NRP2-related disorder. Also called: NRP2-related condition.

gnomAD v4.1: 36 of 1,614,118 alleles (0.0022%); highest among the groups gnomAD compares: Middle Eastern, 0.05%; no homozygotes.

Submission:

PreventionGenetics, part of Exact Sciences
Classification: Uncertain significance for NRP2-related condition. Last evaluated: 2024-03-25. Review status: no assertion criteria provided. Collection method: clinical testing. Allele origin: germline.
Comment: The NRP2 c.2278A>G variant is predicted to result in the amino acid substitution p.Ile760Val. To our knowledge, this variant has not been reported in the literature. This variant is reported in 0.0044% of alleles in individuals of European (Non-Finnish) descent in gnomAD. At this time, the clinical significance of this variant is uncertain due to the absence of conclusive functional and genetic evidence.

NM_003872.3(NRP2):c.2278A>G (p.Ile760Val)

Gene: NRP2 (neuropilin 2; plus strand). Cytogenetic location: 2q33.3.
Variant type: single nucleotide variant.
Coding change: c.2278A>G on transcript NM_003872.3 (MANE Select); coding-DNA position 2278, A replaced by G.
Protein change: p.Ile760Val; replaces isoleucine 760 with valine.
Molecular consequence: missense variant.
Genome position (GRCh38, 1-based): chr2:205,763,907, A>G. VCF-style: chr2-205763907-A-G. GRCh37 (hg19) VCF-style: chr2-206628631-A-G.
Other names: c.2278A>G, p.Ile760Val (NM_018534.4, NM_201266.2, NM_201267.2 and 1 more transcripts); short protein forms I760V.
Identifiers: ClinVar variation 3357172 (VCV003357172.1).